The following is an entry in ClinVar:

NM_002439.5(MSH3):c.2749C>T (p.Gln917Ter)

Gene: MSH3 (mutS homolog 3; plus strand). Cytogenetic location: 5q14.1.
Variant type: single nucleotide variant.
Coding change: c.2749C>T on transcript NM_002439.5 (MANE Select); coding-DNA position 2749, C replaced by T.
Protein change: p.Gln917Ter; replaces glutamine 917 with a stop codon.
Molecular consequence: nonsense.
Genome position (GRCh38, 1-based): chr5:80,813,677, C>T. VCF-style: chr5-80813677-C-T. GRCh37 (hg19) VCF-style: chr5-80109496-C-T.
Other names: short protein forms Q917*.
Identifiers: ClinVar variation 1072876 (VCV001072876.13), dbSNP rs1745048937, ClinGen allele CA360273998.

ClinVar aggregate classification (germline): Pathogenic. Review status: criteria provided, multiple submitters, no conflicts (2 of 4 stars). 4 submissions from 4 submitters: Pathogenic (4). Last evaluated 2025-08-18.

Conditions:
Familial adenomatous polyposis 4 (FAP4). Also called: MSH3-related attenuated familial adenomatous polyposis. Identifiers: Orphanet 480536, MedGen C4310719, MONDO:0044300, OMIM 617100.
Hereditary cancer-predisposing syndrome. Also called: Neoplastic Syndromes, Hereditary; Tumor predisposition; Hereditary Cancer Syndrome; Hereditary neoplastic syndrome. Identifiers: Orphanet 140162, MedGen C0027672, MeSH D009386, MONDO:0015356.

Allele frequency attached by ClinVar (database versions not stated): gnomAD exomes below 0.00001.

Submissions (4):

Ambry Genetics
Classification: Pathogenic for Hereditary cancer-predisposing syndrome. Last evaluated: 2025-08-18. Review status: criteria provided, single submitter. Criteria: Ambry Variant Classification Scheme 2023. Collection method: clinical testing. Allele origin: germline.
Comment: The p.Q917* pathogenic mutation (also known as c.2749C>T), located in coding exon 20 of the MSH3 gene, results from a C to T substitution at nucleotide position 2749. This changes the amino acid from a glutamine to a stop codon within coding exon 20. This variant is considered to be rare based on population cohorts in the Genome Aggregation Database (gnomAD). This alteration is expected to result in loss of function by premature protein truncation or nonsense-mediated mRNA decay. As such, this alteration is interpreted as a disease-causing mutation.

Labcorp Genetics (formerly Invitae), Labcorp
Classification: Pathogenic. Last evaluated: 2024-11-04. Review status: criteria provided, single submitter. Criteria: Invitae Variant Classification Sherloc (09022015). Collection method: clinical testing. Allele origin: germline.
Comment: This sequence change creates a premature translational stop signal (p.Gln917*) in the MSH3 gene. It is expected to result in an absent or disrupted protein product. Loss-of-function variants in MSH3 are known to be pathogenic (PMID: 27476653, 37402566). This variant is not present in population databases (gnomAD no frequency). This variant has not been reported in the literature in individuals affected with MSH3-related conditions. ClinVar contains an entry for this variant (Variation ID: 1072876). For these reasons, this variant has been classified as Pathogenic.

St. Jude Molecular Pathology, St. Jude Children's Research Hospital
Classification: Pathogenic for Familial adenomatous polyposis 4. Last evaluated: 2024-08-05. Review status: criteria provided, single submitter. Criteria: St. Jude Assertion Criteria 2020. Collection method: clinical testing. Allele origin: germline.
Comment: The MSH3 c.2749C>T (p.Gln917Ter) change is a nonsense variant that is predicted to cause premature protein truncation and loss of normal protein function. This variant is absent in gnomAD v2.1.1. To our knowledge, this variant has not been reported in the literature in individuals with MSH3-associated polyposis syndrome, however downstream loss of function variants have been reported (PMID: 27476653). In summary, this variant meets criteria to be classified as pathogenic.

Myriad Genetics, Inc.
Classification: Pathogenic for Familial adenomatous polyposis 4. Last evaluated: 2023-08-31. Review status: criteria provided, single submitter. Criteria: Myriad Autosomal Dominant, Autosomal Recessive and X-Linked Classification Criteria (2023). Collection method: clinical testing. Allele origin: unknown.
Comment: This variant is considered pathogenic. This variant creates a termination codon and is predicted to result in premature protein truncation.

Literature cited by the submitters: PubMed 27476653 (cited by Labcorp Genetics (formerly Invitae), Labcorp); PubMed 37402566 (cited by Labcorp Genetics (formerly Invitae), Labcorp).